The following is an entry in ClinVar:

ClinVar aggregate classification (germline): Conflicting classifications of pathogenicity. Review status: criteria provided, conflicting classifications (1 of 4 stars). 7 submissions from 7 submitters: Uncertain significance (3); Likely benign (3). 1 of the submissions does not count toward it. Last evaluated 2026-02-10.

Conditions:
Inborn genetic diseases. Identifiers: MedGen C0950123, MeSH D030342.
PYGM-related disorder. Also called: PYGM-related condition.
Glycogen storage disease, type V (GSD5). Also called: McArdle type glycogen storage disease; MCARDLE DISEASE; MUSCLE GLYCOGEN PHOSPHORYLASE DEFICIENCY; MYOPHOSPHORYLASE DEFICIENCY; PYGM DEFICIENCY. Identifiers: Orphanet 368, MedGen C0017924, MONDO:0009293, OMIM 232600.

Allele frequency attached by ClinVar (database versions not stated): gnomAD exomes 0.00011 and 0.00028; ExAC 0.00040; 1000 Genomes Project 0.00100; gnomAD 0.00112 and 0.00126; 1000 Genomes Project 30x 0.00125; TOPMed 0.00125; ESP Exome Variant Server 0.00192.
gnomAD v4.1: 346 of 1,614,138 alleles (0.021%); highest among the groups gnomAD compares: African/African-American, 0.43%; 2 homozygotes.

Submissions (7):

PreventionGenetics, part of Exact Sciences
Classification: Likely benign for PYGM-related condition. Last evaluated: 2026-02-10. Review status: criteria provided, single submitter. Criteria: ACMG Guidelines, 2015. Collection method: clinical testing. Allele origin: germline.
Comment: This variant is classified as likely benign based on ACMG/AMP sequence variant interpretation guidelines (Richards et al. 2015 PMID: 25741868, with internal and published modifications).

Labcorp Genetics (formerly Invitae), Labcorp
Classification: Likely benign for Glycogen storage disease, type V. Last evaluated: 2026-02-01. Review status: criteria provided, single submitter. Criteria: Invitae Variant Classification Sherloc (09022015). Collection method: clinical testing. Allele origin: germline.

Ambry Genetics
Classification: Uncertain significance for Inborn genetic diseases. Last evaluated: 2024-12-30. Review status: criteria provided, single submitter. Criteria: Ambry Variant Classification Scheme 2023. Collection method: clinical testing. Allele origin: germline.

Blueprint Genetics
Classification: Uncertain significance. Last evaluated: 2024-11-21. Review status: criteria provided, single submitter. Criteria: ACMG Guidelines, 2015. Collection method: clinical testing. Allele origin: germline.

Women's Health and Genetics/Laboratory Corporation of America, LabCorp
Classification: Uncertain significance. Last evaluated: 2022-09-13. Review status: criteria provided, single submitter. Criteria: LabCorp Variant Classification Summary - May 2015. Collection method: clinical testing. Allele origin: germline.

GeneDx
Classification: Likely benign. Last evaluated: 2020-09-30. Review status: criteria provided, single submitter. Criteria: GeneDx Variant Classification Process June 2021. Collection method: clinical testing. Allele origin: germline. Affected: yes.

Natera, Inc.
Classification: Likely benign for Glycogen storage disease V. Last evaluated: 2019-11-11. Review status: no assertion criteria provided. Collection method: clinical testing. Allele origin: germline. Not counted in ClinVar's aggregate classification.

NM_005609.4(PYGM):c.2286T>G (p.Ile762Met)

Gene: PYGM (glycogen phosphorylase, muscle associated; minus strand). Cytogenetic location: 11q13.1.
Variant type: single nucleotide variant.
Coding change: c.2286T>G on transcript NM_005609.4 (MANE Select); coding-DNA position 2286, T replaced by G.
Protein change: p.Ile762Met; replaces isoleucine 762 with methionine.
Molecular consequence: missense variant.
Genome position (GRCh38, 1-based): chr11:64,747,250, A>C on the plus strand (T>G on the coding strand, the complement: PYGM is on the minus strand). VCF-style: chr11-64747250-A-C. GRCh37 (hg19) VCF-style: chr11-64514722-A-C.
Other names: c.2022T>G, p.Ile674Met (NM_001164716.1); c.2286T>G (NM_005609.3); short protein forms I674M, I762M.
Identifiers: ClinVar variation 669400 (VCV000669400.18), dbSNP rs75685607, ClinGen allele CA6079580.
Genomic context (GRCh38, chr11:64,747,250, plus strand): 5'-CCCACCTGAGTGATTCCCGGGCCAACCAGCTCACCGGTCATGGTGCATGAGCATATTGAC[A>C]ATGTCCTTGAACAGGTCGGGCTGTTTGGGGGAGAAGAAGCCACTGCTCAGCTGCTCAATG-3'
Protein context (NP_005600.1, residues 752-772): SPKQPDLFKD[Ile762Met]VNMLMHHDRF